The following is an entry in ClinVar:

ClinVar aggregate classification (germline): Pathogenic. Review status: criteria provided, multiple submitters, no conflicts (2 of 4 stars). 3 submissions from 3 submitters: Pathogenic (2). 1 of the submissions does not count toward it. Last evaluated 2023-06-29.

Conditions:
beta Thalassemia (BTHAL). Also called: Cooley's anemia; Erythroblastic anemia; Mediterranean anemia. Identifiers: Orphanet 848, MedGen C0005283, MONDO:0019402. Disease mechanism: loss of function.

Submissions (3):

Labcorp Genetics (formerly Invitae), Labcorp
Classification: Pathogenic. Last evaluated: 2023-06-29. Review status: criteria provided, single submitter. Criteria: Invitae Variant Classification Sherloc (09022015). Collection method: clinical testing. Allele origin: germline.
Comment: ClinVar contains an entry for this variant (Variation ID: 393704). Studies have shown that this variant alters HBB gene expression (PMID: 8562944, 15009072). For these reasons, this variant has been classified as Pathogenic. This variant is also known as +33 C>G. This variant occurs in a non-coding region of the HBB gene. It does not change the encoded amino acid sequence of the HBB protein. This variant is not present in population databases (gnomAD no frequency). This variant has been observed in individual(s) with autosomal recessive beta thalassemia intermedia (PMID: 8562944, 10756381). In at least one individual the data is consistent with being in trans (on the opposite chromosome) from a pathogenic variant.

Women's Health and Genetics/Laboratory Corporation of America, LabCorp
Classification: Pathogenic for beta Thalassemia. Last evaluated: 2019-07-29. Review status: criteria provided, single submitter. Criteria: LabCorp Variant Classification Summary - May 2015. Collection method: clinical testing. Allele origin: germline.
Comment: Variant summary: HBB c.-18C>G is located in the untranslated mRNA region upstream of the initiation codon. The variant was absent in 250902 control chromosomes (gnomAD). The variant, c.-18C>G, has been reported in the literature in multiple individuals affected with Beta Thalassemia Intermedia (Ho_1996, Traeger-Synodinos_1996, Bento_2000). These data indicate that the variant is likely to be associated with disease. At least two publications reported experimental evidence evaluating an impact on protein function, and demonstrated a moderate decrease in mRNA levels compared to the wild type that supports the mechanisms for causing Beta Thalassemia Intermedia (Ho_1996, Sgourou_2004). One ClinVar submission (evaluation after 2014) cited the variant as pathogenic. Based on the evidence outlined above, the variant was classified as pathogenic.

GeneReviews
No classification provided. Condition: beta Thalassemia. Review status: no classification provided. Collection method: literature only. Allele origin: germline. Not counted in ClinVar's aggregate classification.

Literature cited by the submitters: PubMed 8562944 (cited by Labcorp Genetics (formerly Invitae), Labcorp and Women's Health and Genetics/Laboratory Corporation of America, LabCorp); PubMed 15009072 (cited by Labcorp Genetics (formerly Invitae), Labcorp and Women's Health and Genetics/Laboratory Corporation of America, LabCorp); PubMed 10756381 (cited by Labcorp Genetics (formerly Invitae), Labcorp and Women's Health and Genetics/Laboratory Corporation of America, LabCorp); PubMed 27785405 (cited by Women's Health and Genetics/Laboratory Corporation of America, LabCorp); NCBI Bookshelf NBK1426 (cited by GeneReviews).

NM_000518.5(HBB):c.-18C>G

Genes: HBB (hemoglobin subunit beta; minus strand), LOC106099062 (HBB recombination region; plus strand), LOC107133510 (origin of replication at HBB; plus strand). Cytogenetic location: 11p15.4.
Variant type: single nucleotide variant.
Coding change: c.-18C>G on transcript NM_000518.5 (MANE Select); 18 bases upstream of the start codon, C replaced by G.
Molecular consequence: 5 prime UTR variant.
Genome position (GRCh38, 1-based): chr11:5,227,039, G>C on the plus strand (C>G on the coding strand, the complement: HBB is on the minus strand). VCF-style: chr11-5227039-G-C. GRCh37 (hg19) VCF-style: chr11-5248269-G-C.
Other names: +33C>G.
Identifiers: ClinVar variation 393704 (VCV000393704.8), dbSNP rs34135787, ClinGen allele CA16609384.